The following is an entry in ClinVar:

NM_015512.5(DNAH1):c.12784G>A (p.Ala4262Thr)

Gene: DNAH1 (dynein axonemal heavy chain 1; plus strand). Cytogenetic location: 3p21.1.
Variant type: single nucleotide variant.
Coding change: c.12784G>A on transcript NM_015512.5 (MANE Select); coding-DNA position 12784, G replaced by A.
Protein change: p.Ala4262Thr; replaces alanine 4262 with threonine.
Molecular consequence: missense variant.
Genome position (GRCh38, 1-based): chr3:52,400,432, G>A. VCF-style: chr3-52400432-G-A. GRCh37 (hg19) VCF-style: chr3-52434448-G-A.
Other names: short protein forms A4262T.
Identifiers: ClinVar variation 1810130 (VCV001810130.1), dbSNP rs2471310309, ClinGen allele CA353089105.
Genomic context (GRCh38, chr3:52,400,432, plus strand): 5'-GAGATCCCCACCCATCAGCCCCAGCGACACTGGATAAAGCGTGGTGTGGCCCTCATCTGT[G>A]CCCTGGACTACTAGACTCAGACAGAAGGGCTGGGGCCATTAAAGCTGAATTTTCTAAGCA-3'
Protein context (NP_056327.4, residues 4252-4265): WIKRGVALIC[Ala4262Thr]LDY

ClinVar aggregate classification (germline): Uncertain significance (1 of 4 stars; one submission).

Submission:

GeneDx
Classification: Uncertain significance. Last evaluated: 2022-06-27. Review status: criteria provided, single submitter. Criteria: GeneDx Variant Classification Process June 2021. Collection method: clinical testing. Allele origin: germline. Affected: yes.
Comment: Not observed at significant frequency in large population cohorts (gnomAD); In silico analysis supports that this missense variant has a deleterious effect on protein structure/function; Has not been previously published as pathogenic or benign to our knowledge